The following is an entry in ClinVar:

NM_007272.3(CTRC):c.106G>T (p.Ala36Ser)

Gene: CTRC (chymotrypsin C; plus strand). Cytogenetic location: 1p36.21.
Variant type: single nucleotide variant.
Coding change: c.106G>T on transcript NM_007272.3 (MANE Select); coding-DNA position 106, G replaced by T.
Protein change: p.Ala36Ser; replaces alanine 36 with serine.
Molecular consequence: missense variant.
Genome position (GRCh38, 1-based): chr1:15,440,365, G>T. VCF-style: chr1-15440365-G-T. GRCh37 (hg19) VCF-style: chr1-15766861-G-T.
Other names: c.106G>T (NM_007272.2); short protein forms A36S.
Identifiers: ClinVar variation 2915456 (VCV002915456.5), dbSNP rs1421655402, ClinGen allele CA338564694.
Genomic context (GRCh38, chr1:15,440,365, plus strand): 5'-AGCTGTGGGGTGCCCAGCTTCCCGCCCAACCTATCCGCCCGAGTGGTGGGAGGAGAGGAT[G>T]CCCGGCCCCACAGCTGGCCCTGGCAGGTAAGCCTGTGTAGGGCTGGGAGGTACAGATAGA-3'
Protein context (NP_009203.2, residues 26-46): LSARVVGGED[Ala36Ser]RPHSWPWQIS

ClinVar aggregate classification (germline): Uncertain significance. Review status: criteria provided, multiple submitters, no conflicts (2 of 4 stars). 2 submissions from 2 submitters: Uncertain significance (2). Last evaluated 2024-06-05.

Conditions:
Hereditary pancreatitis (PCTT). Also called: PRSS1-Related Hereditary Pancreatitis; Hereditary chronic pancreatitis. Identifiers: Orphanet 676, MedGen C0238339, MONDO:0008185, OMIM 167800.

Allele frequency attached by ClinVar (database versions not stated): gnomAD exomes below 0.00001; TOPMed 0.00001.
gnomAD v4.1: 3 of 1,612,284 alleles (0.00019%); highest among the groups gnomAD compares: South Asian, 0.0033%; no homozygotes.

Submissions (2):

Ambry Genetics
Classification: Uncertain significance for Hereditary pancreatitis. Last evaluated: 2024-06-05. Review status: criteria provided, single submitter. Criteria: Ambry Variant Classification Scheme 2023. Collection method: clinical testing. Allele origin: germline.
Comment: The p.A36S variant (also known as c.106G>T), located in coding exon 2 of the CTRC gene, results from a G to T substitution at nucleotide position 106. The alanine at codon 36 is replaced by serine, an amino acid with similar properties. This amino acid position is conserved. In addition, the in silico prediction for this alteration is inconclusive. Since supporting evidence is limited at this time, the clinical significance of this alteration remains unclear.

Labcorp Genetics (formerly Invitae), Labcorp
Classification: Uncertain significance for Hereditary pancreatitis. Last evaluated: 2023-05-21. Review status: criteria provided, single submitter. Criteria: Invitae Variant Classification Sherloc (09022015). Collection method: clinical testing. Allele origin: germline.
Comment: In summary, the available evidence is currently insufficient to determine the role of this variant in disease. Therefore, it has been classified as a Variant of Uncertain Significance. Advanced modeling of protein sequence and biophysical properties (such as structural, functional, and spatial information, amino acid conservation, physicochemical variation, residue mobility, and thermodynamic stability) performed at Invitae indicates that this missense variant is not expected to disrupt CTRC protein function. This variant has not been reported in the literature in individuals affected with CTRC-related conditions. The frequency data for this variant in the population databases is considered unreliable, as metrics indicate poor data quality at this position in the gnomAD database. This sequence change replaces alanine, which is neutral and non-polar, with serine, which is neutral and polar, at codon 36 of the CTRC protein (p.Ala36Ser).